The following is an entry in ClinVar:

ClinVar aggregate classification (germline): Uncertain significance. Review status: criteria provided, multiple submitters, no conflicts (2 of 4 stars). 3 submissions from 3 submitters: Uncertain significance (3). Last evaluated 2021-09-07.

Conditions:
Telangiectasia, hereditary hemorrhagic, type 2 (HHT2). Also called: ACVRL1-Related Hereditary Hemorrhagic Telangiectasia; Telangiectasia, hereditary hemorrhagic, type II. Identifiers: Orphanet 774, MedGen C1838163, MONDO:0010880, OMIM 600376. Disease mechanism: loss of function.

Submissions (3):

Mayo Clinic Laboratories, Mayo Clinic
Classification: Uncertain significance. Last evaluated: 2021-09-07. Review status: criteria provided, single submitter. Criteria: ACMG Guidelines, 2015. Collection method: clinical testing. Allele origin: germline.

Labcorp Genetics (formerly Invitae), Labcorp
Classification: Uncertain significance for Telangiectasia, hereditary hemorrhagic, type 2. Last evaluated: 2021-07-25. Review status: criteria provided, single submitter. Criteria: Invitae Variant Classification Sherloc (09022015). Collection method: clinical testing. Allele origin: germline.
Comment: This sequence change replaces alanine with proline at codon 303 of the ACVRL1 protein (p.Ala303Pro). The alanine residue is moderately conserved and there is a small physicochemical difference between alanine and proline. This variant is not present in population databases (ExAC no frequency). This variant has not been reported in the literature in individuals affected with ACVRL1-related conditions. Advanced modeling of protein sequence and biophysical properties (such as structural, functional, and spatial information, amino acid conservation, physicochemical variation, residue mobility, and thermodynamic stability) performed at Invitae indicates that this missense variant is expected to disrupt ACVRL1 protein function. In summary, the available evidence is currently insufficient to determine the role of this variant in disease. Therefore, it has been classified as a Variant of Uncertain Significance.

Blueprint Genetics
Classification: Uncertain significance. Last evaluated: 2020-12-15. Review status: criteria provided, single submitter. Criteria: ACMG Guidelines, 2015. Collection method: clinical testing. Allele origin: germline.

NM_000020.3(ACVRL1):c.907G>C (p.Ala303Pro)

Gene: ACVRL1 (activin A receptor like type 1; plus strand). Cytogenetic location: 12q13.13.
Variant type: single nucleotide variant.
Coding change: c.907G>C on transcript NM_000020.3 (MANE Select); coding-DNA position 907, G replaced by C.
Protein change: p.Ala303Pro; replaces alanine 303 with proline.
Molecular consequence: missense variant.
Genome position (GRCh38, 1-based): chr12:51,915,359, G>C. VCF-style: chr12-51915359-G-C. GRCh37 (hg19) VCF-style: chr12-52309143-G-C.
Other names: p.Ala303Pro; c.907G>C, p.Ala303Pro (NM_001077401.2); short protein forms A303P.
Identifiers: ClinVar variation 1369820 (VCV001369820.12), dbSNP rs1565594220, ClinGen allele CA384900906.